The following is an entry in ClinVar:

NM_138295.5(PKD1L1):c.5379G>A (p.Pro1793=)

Gene: PKD1L1 (polycystin 1 like 1, transient receptor potential channel interacting; minus strand). Cytogenetic location: 7p12.3.
Variant type: single nucleotide variant.
Coding change: c.5379G>A on transcript NM_138295.5 (MANE Select); coding-DNA position 5379, G replaced by A.
Protein change: p.Pro1793=; no amino-acid change (proline 1793 retained).
Molecular consequence: synonymous variant.
Genome position (GRCh38, 1-based): chr7:47,843,028, C>T on the plus strand (G>A on the coding strand, the complement: PKD1L1 is on the minus strand). VCF-style: chr7-47843028-C-T. GRCh37 (hg19) VCF-style: chr7-47882626-C-T.
Identifiers: ClinVar variation 4978471 (VCV004978471.1).

ClinVar aggregate classification (germline): Likely benign (1 of 4 stars; one submission).

Conditions:
PKD1L1-related disorder. Also called: PKD1L1-related condition.

gnomAD v4.1: 39 of 1,613,828 alleles (0.0024%); highest among the groups gnomAD compares: South Asian, 0.0088%; no homozygotes.

Submission:

PreventionGenetics, part of Exact Sciences
Classification: Likely benign for PKD1L1-related condition. Last evaluated: 2026-06-12. Review status: criteria provided, single submitter. Criteria: ACMG Guidelines, 2015. Collection method: clinical testing. Allele origin: germline.
Comment: This variant is classified as likely benign based on ACMG/AMP sequence variant interpretation guidelines (Richards et al. 2015 PMID: 25741868, with internal and published modifications).